The following is an entry in ClinVar:

ClinVar aggregate classification (germline): Uncertain significance (1 of 4 stars; one submission).

Submission:

Ambry Genetics
Classification: Uncertain significance. Last evaluated: 2024-12-09. Review status: criteria provided, single submitter. Criteria: Ambry Variant Classification Scheme 2023. Collection method: clinical testing. Allele origin: germline.
Comment: The p.D80E variant (also known as c.240C>A), located in coding exon 1 of the ATRIP gene, results from a C to A substitution at nucleotide position 240. The aspartic acid at codon 80 is replaced by glutamic acid, an amino acid with highly similar properties. This amino acid position is conserved. In addition, this alteration is predicted to be tolerated by in silico analysis. Based on the available evidence, the clinical significance of this variant remains unclear.

NM_130384.3(ATRIP):c.240C>A (p.Asp80Glu)

Genes: ATRIP (ATR interacting protein; plus strand), ATRIP-TREX1 (ATRIP-TREX1 readthrough; plus strand). Cytogenetic location: 3p21.31.
Variant type: single nucleotide variant.
Coding change: c.240C>A on transcript NM_130384.3 (MANE Select); coding-DNA position 240, C replaced by A.
Protein change: p.Asp80Glu; replaces aspartic acid 80 with glutamic acid.
Molecular consequence: missense variant. On other transcripts: non-coding transcript variant (1), intron variant (1).
Genome position (GRCh38, 1-based): chr3:48,447,085, C>A. VCF-style: chr3-48447085-C-A. GRCh37 (hg19) VCF-style: chr3-48488489-C-A.
Other names: c.240C>A, p.Asp80Glu (NM_032166.4); c.-218+286C>A (NM_001271022.2); short protein forms D80E.
Identifiers: ClinVar variation 3465272 (VCV003465272.1).